The following is an entry in ClinVar:

NM_002454.3(MTRR):c.1975G>T (p.Asp659Tyr)

Gene: MTRR (5-methyltetrahydrofolate-homocysteine methyltransferase reductase; plus strand). Cytogenetic location: 5p15.31.
Variant type: single nucleotide variant.
Coding change: c.1975G>T on transcript NM_002454.3 (MANE Select); coding-DNA position 1975, G replaced by T.
Protein change: p.Asp659Tyr; replaces aspartic acid 659 with tyrosine.
Molecular consequence: missense variant. On other transcripts: non-coding transcript variant (14).
Genome position (GRCh38, 1-based): chr5:7,899,936, G>T. VCF-style: chr5-7899936-G-T. GRCh37 (hg19) VCF-style: chr5-7900049-G-T.
Other names: c.1975G>T, p.Asp659Tyr (NM_001364440.2, NM_001364441.2, NM_001364442.2 and 1 more transcripts); short protein forms D659Y.
Identifiers: ClinVar variation 1945249 (VCV001945249.5), dbSNP rs1468134821, ClinGen allele CA359160124.

ClinVar aggregate classification (germline): Uncertain significance (1 of 4 stars; one submission).

Conditions:
Methylcobalamin deficiency type cblE (HMAE). Also called: VITAMIN B12-RESPONSIVE HOMOCYSTINURIA, cblE TYPE; HOMOCYSTINURIA-MEGALOBLASTIC ANEMIA, cblE COMPLEMENTATION TYPE; HOMOCYSTINURIA-MEGALOBLASTIC ANEMIA, cblE TYPE. Identifiers: Orphanet 2169, Orphanet 622, MedGen C1856057, MONDO:0009354, OMIM 236270.

Allele frequency attached by ClinVar (database versions not stated): TOPMed 0.00001.
gnomAD v4.1: 1 of 1,614,148 alleles (0.000062%); no homozygotes.

Submission:

Labcorp Genetics (formerly Invitae), Labcorp
Classification: Uncertain significance for Methylcobalamin deficiency type cblE. Last evaluated: 2024-10-14. Review status: criteria provided, single submitter. Criteria: Invitae Variant Classification Sherloc (09022015). Collection method: clinical testing. Allele origin: germline.
Comment: This sequence change replaces aspartic acid, which is acidic and polar, with tyrosine, which is neutral and polar, at codon 659 of the MTRR protein (p.Asp659Tyr). This variant is not present in population databases (gnomAD no frequency). This variant has not been reported in the literature in individuals affected with MTRR-related conditions. ClinVar contains an entry for this variant (Variation ID: 1945249). Invitae Evidence Modeling of protein sequence and biophysical properties (such as structural, functional, and spatial information, amino acid conservation, physicochemical variation, residue mobility, and thermodynamic stability) indicates that this missense variant is expected to disrupt MTRR protein function with a positive predictive value of 80%. In summary, the available evidence is currently insufficient to determine the role of this variant in disease. Therefore, it has been classified as a Variant of Uncertain Significance.